The following is an entry in ClinVar:

NC_012920.1(MT-ATP6):m.8951T>C

Gene: MT-ATP6 (mitochondrially encoded ATP synthase 6; plus strand).
Variant type: single nucleotide variant.
Genome position: chrM-8951-T-C.
Identifiers: ClinVar variation 693033 (VCV000693033.1), dbSNP rs1603221934, ClinGen allele CA414799139.
Genomic context (GRCh38, chrMT:8,951, plus strand): 5'-AAAATGCCCTAGCCCACTTCTTACCACAAGGCACACCTACACCCCTTATCCCCATACTAG[T>C]TATTATCGAAACCATCAGCCTACTCATTCAACCAATAGCCCTGGCCGTACGCCTAACCGC-3'

ClinVar aggregate classification (germline): Uncertain significance (1 of 4 stars; one submission).

Conditions:
Leigh syndrome (NULS). Also called: Leigh's necrotizing encephalopathy; Leigh's disease; Leigh Syndrome (mtDNA deletion); Leigh Disease; Subacute necrotizing encephalopathy; Necrotizing encephalopathy infantile subacute of Leigh. Identifiers: Orphanet 506, MedGen C2931891, MONDO:0009723, OMIM 256000.

Submission:

Wong Mito Lab, Molecular and Human Genetics, Baylor College of Medicine
Classification: Uncertain significance for Leigh syndrome. Last evaluated: 2019-10-17. Review status: criteria provided, single submitter. Criteria: Modified ACMG Guidelines (Unpublished). Collection method: clinical testing. Allele origin: germline.
Comment: The NC_012920.1:m.8951T>C (YP_003024031.1:p.Val142Ala) variant in MTATP6 gene is interpretated to be a Uncertain Significance variant based on the modified ACMG guidelines (unpublished). This variant meets the following evidence codes: BP6